The following is an entry in ClinVar:

NM_000548.5(TSC2):c.4143C>T (p.Pro1381=)

Gene: TSC2 (TSC complex subunit 2; plus strand). Cytogenetic location: 16p13.3.
Variant type: single nucleotide variant.
Coding change: c.4143C>T on transcript NM_000548.5 (MANE Select); coding-DNA position 4143, C replaced by T.
Protein change: p.Pro1381=; no amino-acid change (proline 1381 retained).
Molecular consequence: synonymous variant.
Genome position (GRCh38, 1-based): chr16:2,084,365, C>T. VCF-style: chr16-2084365-C-T. GRCh37 (hg19) VCF-style: chr16-2134366-C-T.
Other names: c.3942C>T, p.Pro1314= (NM_001077183.3); c.4074C>T, p.Pro1358= (NM_001114382.3); c.3834C>T, p.Pro1278= (NM_001318827.2); c.3798C>T, p.Pro1266= (NM_001318829.2); c.3411C>T, p.Pro1137= (NM_001318831.2); c.3975C>T, p.Pro1325= (NM_001318832.2); c.3945C>T, p.Pro1315= (NM_001363528.2); c.4011C>T, p.Pro1337= (NM_001370404.1); and 1 more.
Identifiers: ClinVar variation 512582 (VCV000512582.14), dbSNP rs1555514056, ClinGen allele CA493043086.

ClinVar aggregate classification (germline): Benign/Likely benign. Review status: criteria provided, multiple submitters, no conflicts (2 of 4 stars). 5 submissions from 5 submitters: Benign (2); Likely benign (3). Last evaluated 2025-06-02.

Conditions:
Hereditary cancer-predisposing syndrome. Also called: Hereditary Cancer Syndrome; Tumor predisposition; Neoplastic Syndromes, Hereditary; Hereditary neoplastic syndrome. Identifiers: Orphanet 140162, MedGen C0027672, MeSH D009386, MONDO:0015356.
Tuberous sclerosis 2 (TSC2). Identifiers: Orphanet 805, MedGen C1860707, MONDO:0013199, OMIM 613254.

gnomAD v4.1: 2 of 1,612,666 alleles (0.00012%); highest among the groups gnomAD compares: Non-Finnish European, 0.00017%; no homozygotes.

Submissions (5):

Myriad Genetics, Inc.
Classification: Benign for Tuberous sclerosis 2. Last evaluated: 2025-06-02. Review status: criteria provided, single submitter. Criteria: Myriad Autosomal Dominant, Autosomal Recessive and X-Linked Classification Criteria (2023). Collection method: clinical testing. Allele origin: unknown.
Comment: This variant is considered benign. This variant is a silent/synonymous amino acid change and it is not expected to impact splicing.

Labcorp Genetics (formerly Invitae), Labcorp
Classification: Likely benign for Tuberous sclerosis 2. Last evaluated: 2024-12-15. Review status: criteria provided, single submitter. Criteria: Invitae Variant Classification Sherloc (09022015). Collection method: clinical testing. Allele origin: germline.

Ambry Genetics
Classification: Likely benign for Hereditary cancer-predisposing syndrome. Last evaluated: 2023-12-31. Review status: criteria provided, single submitter. Criteria: Ambry Variant Classification Scheme 2023. Collection method: clinical testing. Allele origin: germline.

Genome-Nilou Lab
Classification: Benign for Tuberous sclerosis 2. Last evaluated: 2021-11-07. Review status: criteria provided, single submitter. Criteria: ACMG Guidelines, 2015. Collection method: clinical testing. Allele origin: germline. Affected: no.

GeneDx
Classification: Likely benign. Last evaluated: 2017-10-09. Review status: criteria provided, single submitter. Criteria: GeneDx Variant Classification (06012015). Collection method: clinical testing. Allele origin: germline. Affected: yes.
Comment: This variant is considered likely benign or benign based on one or more of the following criteria: it is a conservative change, it occurs at a poorly conserved position in the protein, it is predicted to be benign by multiple in silico algorithms, and/or has population frequency not consistent with disease.